The following is an entry in ClinVar:

ClinVar aggregate classification (germline): Likely benign. Review status: criteria provided, multiple submitters, no conflicts (2 of 4 stars). 2 submissions from 2 submitters: Likely benign (2). Last evaluated 2024-11-28.

Allele frequency attached by ClinVar (database versions not stated): gnomAD exomes 0.00002 and 0.00003; ExAC 0.00003; gnomAD 0.00003 and 0.00004; TOPMed 0.00003.
gnomAD v4.1: 52 of 1,608,666 alleles (0.0032%); highest among the groups gnomAD compares: Non-Finnish European, 0.0042%; no homozygotes.

Submissions (2):

Labcorp Genetics (formerly Invitae), Labcorp
Classification: Likely benign. Last evaluated: 2024-11-28. Review status: criteria provided, single submitter. Criteria: Invitae Variant Classification Sherloc (09022015). Collection method: clinical testing. Allele origin: germline.

CeGaT Center for Human Genetics Tuebingen
Classification: Likely benign. Last evaluated: 2022-05-01. Review status: criteria provided, single submitter. Criteria: CeGaT Center For Human Genetics Tuebingen Variant Classification Criteria Version 2. Collection method: clinical testing. Allele origin: germline. Affected: yes. Observed: 1 variant allele.
Comment: WNK4: BP4, BP7

NM_032387.5(WNK4):c.45G>A (p.Gln15=)

Gene: WNK4 (WNK lysine deficient protein kinase 4; plus strand). Cytogenetic location: 17q21.2.
Variant type: single nucleotide variant.
Coding change: c.45G>A on transcript NM_032387.5 (MANE Select); coding-DNA position 45, G replaced by A.
Protein change: p.Gln15=; no amino-acid change (glutamine 15 retained).
Molecular consequence: synonymous variant. On other transcripts: 5 prime UTR variant (1).
Genome position (GRCh38, 1-based): chr17:42,780,743, G>A. VCF-style: chr17-42780743-G-A. GRCh37 (hg19) VCF-style: chr17-40932761-G-A.
Other names: c.-875G>A (NM_001321299.2).
Identifiers: ClinVar variation 1694844 (VCV001694844.33), dbSNP rs753485187, ClinGen allele CA8583595.